The following is an entry in ClinVar:

ClinVar aggregate classification (germline): Uncertain significance. Review status: criteria provided, multiple submitters, no conflicts (2 of 4 stars). 2 submissions from 2 submitters: Uncertain significance (2). Last evaluated 2025-05-13.

Allele frequency attached by ClinVar (database versions not stated): TOPMed 0.00001.

Submissions (2):

Mayo Clinic Laboratories, Mayo Clinic
Classification: Uncertain significance. Last evaluated: 2025-05-13. Review status: criteria provided, single submitter. Criteria: ACMG Guidelines, 2015. Collection method: clinical testing. Allele origin: germline. Observed: 2 variant alleles.
Comment: PM2_supporting

GeneDx
Classification: Uncertain significance. Last evaluated: 2022-10-26. Review status: criteria provided, single submitter. Criteria: GeneDx Variant Classification Process June 2021. Collection method: clinical testing. Allele origin: germline. Affected: yes.
Comment: Not observed in large population cohorts (gnomAD); In silico analysis supports that this missense variant has a deleterious effect on protein structure/function; Has not been previously published as pathogenic or benign to our knowledge

NM_001145809.2(MYH14):c.5773C>G (p.Gln1925Glu)

Gene: MYH14 (myosin heavy chain 14; plus strand). Cytogenetic location: 19q13.33.
Variant type: single nucleotide variant.
Coding change: c.5773C>G on transcript NM_001145809.2 (MANE Select); coding-DNA position 5773, C replaced by G.
Protein change: p.Gln1925Glu; replaces glutamine 1925 with glutamic acid.
Molecular consequence: missense variant.
Genome position (GRCh38, 1-based): chr19:50,307,143, C>G. VCF-style: chr19-50307143-C-G. GRCh37 (hg19) VCF-style: chr19-50810400-C-G.
Other names: p.Gln1884Glu; c.5674C>G, p.Gln1892Glu (NM_001077186.2); c.5650C>G, p.Gln1884Glu (NM_024729.4); short protein forms Q1884E, Q1892E, Q1925E.
Identifiers: ClinVar variation 1723634 (VCV001723634.3), dbSNP rs1224629985, ClinGen allele CA406965461.